The following is an entry in ClinVar:

ClinVar aggregate classification (germline): Uncertain significance (1 of 4 stars; one submission).

Conditions:
SEMA3B-related disorder. Also called: SEMA3B-related condition.

Submission:

PreventionGenetics, part of Exact Sciences
Classification: Uncertain significance for SEMA3B-related condition. Last evaluated: 2025-07-30. Review status: criteria provided, single submitter. Criteria: ACMG Guidelines, 2015. Collection method: clinical testing. Allele origin: germline.
Comment: The SEMA3B c.460C>T variant is predicted to result in the amino acid substitution p.Leu154Phe. To our knowledge, this variant has not been reported in the literature. This variant is reported in 0.0024% of alleles in individuals of European (Non-Finnish) descent in gnomAD. At this time, the clinical significance of this variant is uncertain due to the absence of conclusive functional and genetic evidence.

NM_001290060.2(SEMA3B):c.460C>T (p.Leu154Phe)

Gene: SEMA3B (semaphorin 3B; plus strand). Cytogenetic location: 3p21.31.
Variant type: single nucleotide variant.
Coding change: c.460C>T on transcript NM_001290060.2 (MANE Select); coding-DNA position 460, C replaced by T.
Protein change: p.Leu154Phe; replaces leucine 154 with phenylalanine.
Molecular consequence: missense variant.
Genome position (GRCh38, 1-based): chr3:50,271,097, C>T. VCF-style: chr3-50271097-C-T. GRCh37 (hg19) VCF-style: chr3-50308528-C-T.
Other names: c.460C>T, p.Leu154Phe (NM_001005914.3, NM_001290061.1, NM_004636.4); short protein forms L154F.
Identifiers: ClinVar variation 3351906 (VCV003351906.2).
Genomic context (GRCh38, chr3:50,271,097, plus strand): 5'-GGTCAGGAGGGTAAGAAGGGCCTGGTAGTCACAACTTGCCACACCTCCCAGGAGCCCGTC[C>T]TCCGGCTGGACCCAGGAAGGATAGAGGATGGCAAGGGGAAGAGTCCTTATGACCCCAGGC-3'
Protein context (NP_001276989.1, residues 144-164): EVGHRAEEPV[Leu154Phe]RLDPGRIEDG